The following is an entry in ClinVar:

NM_000059.4(BRCA2):c.2543A>C (p.Lys848Thr)

Gene: BRCA2 (BRCA2 DNA repair associated; plus strand). Cytogenetic location: 13q13.1.
Variant type: single nucleotide variant.
Coding change: c.2543A>C on transcript NM_000059.4 (MANE Select); coding-DNA position 2543, A replaced by C.
Protein change: p.Lys848Thr; replaces lysine 848 with threonine.
Molecular consequence: missense variant. On other transcripts: non-coding transcript variant (1), intron variant (2).
Genome position (GRCh38, 1-based): chr13:32,336,898, A>C. VCF-style: chr13-32336898-A-C. GRCh37 (hg19) VCF-style: chr13-32911035-A-C.
Other names: c.2543A>C, p.Lys848Thr (NM_001406719.1, NM_001406720.1, NM_001432077.1); c.1909+3511A>C (NM_001406721.1); c.424+5868A>C (NM_001406722.1); short protein forms K848T.
Identifiers: ClinVar variation 5033366 (VCV005033366.1).
Genomic context (GRCh38, chr13:32,336,898, plus strand): 5'-ATAAAAACGTTGAGCTGTTGCCACCTGAAAAATACATGAGAGTAGCATCACCTTCAAGAA[A>C]GGTACAATTCAACCAAAACACAAATCTAAGAGTAATCCAAAAAAATCAAGAAGAAACTAC-3'
Protein context (NP_000050.3, residues 838-858): KYMRVASPSR[Lys848Thr]VQFNQNTNLR

ClinVar aggregate classification (germline): Uncertain significance (1 of 4 stars; one submission).

Conditions:
Hereditary cancer-predisposing syndrome. Also called: Neoplastic Syndromes, Hereditary; Tumor predisposition; Hereditary neoplastic syndrome; Hereditary Cancer Syndrome. Identifiers: Orphanet 140162, MedGen C0027672, MeSH D009386, MONDO:0015356.

Submission:

Ambry Genetics
Classification: Uncertain significance for Hereditary cancer-predisposing syndrome. Last evaluated: 2026-09-04. Review status: criteria provided, single submitter. Criteria: Ambry Variant Classification Scheme 2023. Collection method: clinical testing. Allele origin: germline.
Comment: The p.K848T variant (also known as c.2543A>C), located in coding exon 10 of the BRCA2 gene, results from an A to C substitution at nucleotide position 2543. The lysine at codon 848 is replaced by threonine, an amino acid with similar properties. This amino acid position is conserved. In addition, this alteration is predicted to be tolerated by in silico analysis. Based on the available evidence, the clinical significance of this variant remains unclear.